The following is an entry in ClinVar:

GRCh38/hg38 15q11.2(chr15:22572858-23012211)x1

Genes: CYFIP1 (cytoplasmic FMR1 interacting protein 1; minus strand), NIPA1 (NIPA magnesium transporter 1; plus strand), NIPA2 (NIPA magnesium transporter 2; plus strand), TUBGCP5 (tubulin gamma complex component 5; minus strand), LOC112272575 (Sharpr-MPRA regulatory region 8478; plus strand) and 15 more. Cytogenetic location: 15q11.2.
Variant type: copy number loss.
Change: copy number 1 (one copy instead of two) of chr15:22,572,858-23,012,211 (439.4 kb, GRCh38 coordinates, 1-based), cytogenetic band 15q11.2.
Identifiers: ClinVar variation 145041 (VCV000145041.4).

ClinVar aggregate classification (germline): conflicting data from submitters (0 of 4 stars; one submission).

Submission:

ISCA Site 6
Classification: conflicting data from submitters. Last evaluated: 2011-04-30. Review status: no assertion criteria provided. Collection method: clinical testing. Allele origin: unknown. Affected: yes. Observed: 4 variant alleles. Clinical features observed: Developmental delay AND/OR other significant developmental or morphological phenotypes.
Comment: Uncertain significance(3), Benign (1)

Copy number variation identified through the course of routine clinical cytogenomic testing in postnatal populations, with clinical assertions as classified by the original submitter.